The following is an entry in ClinVar:

ClinVar aggregate classification (germline): Uncertain significance (1 of 4 stars; one submission).

Conditions:
Acrocallosal syndrome (ACLS). Also called: HALLUX DUPLICATION, POSTAXIAL POLYDACTYLY, AND ABSENCE OF CORPUS CALLOSUM; Schinzel syndrome 1; Absence of corpus callosum with unusual facial appearance, mental deficiency, duplication of the halluces and polydactyly. Identifiers: Orphanet 36, MedGen C0796147, MONDO:0008708, OMIM 200990.

Allele frequency attached by ClinVar (database versions not stated): gnomAD 0.00001; ExAC 0.00002.
gnomAD v4.1: 18 of 1,610,262 alleles (0.0011%); highest among the groups gnomAD compares: African/African-American, 0.0013%; no homozygotes.

Submission:

Labcorp Genetics (formerly Invitae), Labcorp
Classification: Uncertain significance for Acrocallosal syndrome. Last evaluated: 2022-06-15. Review status: criteria provided, single submitter. Criteria: Invitae Variant Classification Sherloc (09022015). Collection method: clinical testing. Allele origin: germline.
Comment: This sequence change replaces arginine, which is basic and polar, with glutamine, which is neutral and polar, at codon 780 of the KIF7 protein (p.Arg780Gln). This variant is present in population databases (rs370339841, gnomAD 0.005%). This variant has not been reported in the literature in individuals affected with KIF7-related conditions. Algorithms developed to predict the effect of missense changes on protein structure and function are either unavailable or do not agree on the potential impact of this missense change (SIFT: "Deleterious"; PolyPhen-2: "Benign"; Align-GVGD: "Class C0"). In summary, the available evidence is currently insufficient to determine the role of this variant in disease. Therefore, it has been classified as a Variant of Uncertain Significance.

NM_198525.3(KIF7):c.2339G>A (p.Arg780Gln)

Gene: KIF7 (kinesin family member 7; minus strand). Cytogenetic location: 15q26.1.
Variant type: single nucleotide variant.
Coding change: c.2339G>A on transcript NM_198525.3 (MANE Select); coding-DNA position 2339, G replaced by A.
Protein change: p.Arg780Gln; replaces arginine 780 with glutamine.
Molecular consequence: missense variant.
Genome position (GRCh38, 1-based): chr15:89,642,258, C>T on the plus strand (G>A on the coding strand, the complement: KIF7 is on the minus strand). VCF-style: chr15-89642258-C-T. GRCh37 (hg19) VCF-style: chr15-90185489-C-T.
Other names: short protein forms R780Q.
Identifiers: ClinVar variation 2200355 (VCV002200355.1), dbSNP rs370339841, ClinGen allele CA7728230.